The following is an entry in ClinVar:

ClinVar aggregate classification (germline): Uncertain significance. Review status: criteria provided, multiple submitters, no conflicts (2 of 4 stars). 6 submissions from 6 submitters: Uncertain significance (6). Last evaluated 2025-05-06.

Conditions:
Classic or attenuated familial adenomatous polyposis. Identifiers: MedGen CN372698, MONDO:0021057.
Hereditary cancer-predisposing syndrome. Also called: Neoplastic Syndromes, Hereditary; Tumor predisposition; Hereditary neoplastic syndrome; Hereditary Cancer Syndrome. Identifiers: Orphanet 140162, MedGen C0027672, MeSH D009386, MONDO:0015356.
Familial adenomatous polyposis 1 (FAP1). Also called: POLYPOSIS, ADENOMATOUS INTESTINAL; FAMILIAL ADENOMATOUS POLYPOSIS 1, ATTENUATED. Identifiers: MedGen C2713442, MONDO:0021056, OMIM 175100. Disease mechanism: loss of function.

Allele frequency attached by ClinVar (database versions not stated): gnomAD 0.00002; TOPMed 0.00002.
gnomAD v4.1: 3 of 1,614,016 alleles (0.00019%); highest among the groups gnomAD compares: Admixed American, 0.005%; no homozygotes.

Submissions (6):

Labcorp Genetics (formerly Invitae), Labcorp
Classification: Uncertain significance for Familial adenomatous polyposis 1. Last evaluated: 2025-05-06. Review status: criteria provided, single submitter. Criteria: Invitae Variant Classification Sherloc (09022015). Collection method: clinical testing. Allele origin: germline.
Comment: This sequence change replaces aspartic acid, which is acidic and polar, with glycine, which is neutral and non-polar, at codon 1714 of the APC protein (p.Asp1714Gly). This variant is not present in population databases (gnomAD no frequency). This variant has not been reported in the literature in individuals affected with APC-related conditions. ClinVar contains an entry for this variant (Variation ID: 825474). Invitae Evidence Modeling of protein sequence and biophysical properties (such as structural, functional, and spatial information, amino acid conservation, physicochemical variation, residue mobility, and thermodynamic stability) indicates that this missense variant is not expected to disrupt APC protein function with a negative predictive value of 95%. In summary, the available evidence is currently insufficient to determine the role of this variant in disease. Therefore, it has been classified as a Variant of Uncertain Significance.

Ambry Genetics
Classification: Uncertain significance for Hereditary cancer-predisposing syndrome. Last evaluated: 2024-12-12. Review status: criteria provided, single submitter. Criteria: Ambry Variant Classification Scheme 2023. Collection method: clinical testing. Allele origin: germline.
Comment: The p.D1714G variant (also known as c.5141A>G), located in coding exon 15 of the APC gene, results from an A to G substitution at nucleotide position 5141. The aspartic acid at codon 1714 is replaced by glycine, an amino acid with similar properties. This amino acid position is well conserved in available vertebrate species. In addition, in silico predictors for this gene do not accurately predict pathogenicity. Based on the available evidence, the clinical significance of this variant remains unclear.

All of Us Research Program, National Institutes of Health
Classification: Uncertain significance for Classic or attenuated familial adenomatous polyposis. Last evaluated: 2024-07-29. Review status: criteria provided, single submitter. Criteria: ACMG Guidelines, 2015. Collection method: clinical testing. Allele origin: germline. Inheritance: Autosomal dominant inheritance. Observed: 1 variant allele, 1 heterozygote.
Comment: This missense variant replaces aspartic acid with glycine at codon 1714 of the APC protein. Computational prediction suggests that this variant may not impact protein structure and function (internally defined REVEL score threshold <= 0.5, PMID: 27666373). To our knowledge, functional studies have not been reported for this variant. This variant has not been reported in individuals affected with APC-related disorders in the literature. This variant has not been identified in the general population by the Genome Aggregation Database (gnomAD). The available evidence is insufficient to determine the role of this variant in disease conclusively. Therefore, this variant is classified as a Variant of Uncertain Significance.

This study involves interpretation of variants in research participants for the purpose of population health screening. Participant phenotype was not available at the time of variant classification. Additional details can be found in publication PMID: 35346344, PMCID: PMC8962531

Color Diagnostics, LLC DBA Color Health
Classification: Uncertain significance for Hereditary cancer-predisposing syndrome. Last evaluated: 2024-07-18. Review status: criteria provided, single submitter. Criteria: ACMG Guidelines, 2015. Collection method: clinical testing. Allele origin: germline.
Comment: This missense variant replaces aspartic acid with glycine at codon 1714 of the APC protein. Computational prediction suggests that this variant may not impact protein structure and function (internally defined REVEL score threshold <= 0.5, PMID: 27666373). To our knowledge, functional studies have not been reported for this variant. This variant has not been reported in individuals affected with APC-related disorders in the literature. This variant has not been identified in the general population by the Genome Aggregation Database (gnomAD). The available evidence is insufficient to determine the role of this variant in disease conclusively. Therefore, this variant is classified as a Variant of Uncertain Significance.

Quest Diagnostics Nichols Institute San Juan Capistrano
Classification: Uncertain significance. Last evaluated: 2023-08-03. Review status: criteria provided, single submitter. Criteria: Quest Diagnostics criteria. Collection method: clinical testing. Allele origin: unknown.
Comment: To the best of our knowledge, this variant has not been reported in the published literature. It also has not been reported in large, multi-ethnic general populations (Genome Aggregation Database). Analysis of this variant using bioinformatics tools for the prediction of the effect of amino acid changes on protein structure and function yielded conflicting predictions that this variant is deleterious or benign. Based on the available information, we are unable to determine the clinical significance of this variant.

GeneDx
Classification: Uncertain significance. Last evaluated: 2020-12-23. Review status: criteria provided, single submitter. Criteria: GeneDx Variant Classification Process June 2021. Collection method: clinical testing. Allele origin: germline. Affected: yes.
Comment: Not observed at a significant frequency in large population cohorts (Lek et al., 2016); In silico analysis supports that this missense variant does not alter protein structure/function; Has not been previously published as pathogenic or benign to our knowledge

NM_000038.6(APC):c.5141A>G (p.Asp1714Gly)

Gene: APC (APC regulator of Wnt signaling pathway; plus strand). Cytogenetic location: 5q22.2.
Variant type: single nucleotide variant.
Coding change: c.5141A>G on transcript NM_000038.6 (MANE Select); coding-DNA position 5141, A replaced by G.
Protein change: p.Asp1714Gly; replaces aspartic acid 1714 with glycine.
Molecular consequence: missense variant.
Genome position (GRCh38, 1-based): chr5:112,840,735, A>G. VCF-style: chr5-112840735-A-G. GRCh37 (hg19) VCF-style: chr5-112176432-A-G.
Other names: c.5141A>G, p.Asp1714Gly (NM_001127510.3, NM_001354895.2); c.5087A>G, p.Asp1696Gly (NM_001127511.3); c.5195A>G, p.Asp1732Gly (NM_001354896.2); c.5171A>G, p.Asp1724Gly (NM_001354897.2); c.5066A>G, p.Asp1689Gly (NM_001354898.2); c.5057A>G, p.Asp1686Gly (NM_001354899.2); c.5018A>G, p.Asp1673Gly (NM_001354900.2); c.4964A>G, p.Asp1655Gly (NM_001354901.2); and 5 more; short protein forms D1655G, D1724G, D1613G, D1689G, D1696G, D1714G, D1431G, D1554G.
Identifiers: ClinVar variation 825474 (VCV000825474.20), dbSNP rs1580656683, ClinGen allele CA16032564.
Genomic context (GRCh38, chr5:112,840,735, plus strand): 5'-GCAGAAGTACAGATGAGGCTCAAGGAGGAAAAACCTCATCTGTAACCATACCTGAATTGG[A>G]TGACAATAAAGCAGAGGAAGGTGATATTCTTGCAGAATGCATTAATTCTGCTATGCCCAA-3'
Protein context (NP_000029.2, residues 1704-1724): KTSSVTIPEL[Asp1714Gly]DNKAEEGDIL